The following is an entry in ClinVar:

NM_000218.3(KCNQ1):c.1766G>A (p.Gly589Asp)

Gene: KCNQ1 (potassium voltage-gated channel subfamily Q member 1; plus strand). Cytogenetic location: 11p15.5.
Variant type: single nucleotide variant.
Coding change: c.1766G>A on transcript NM_000218.3 (MANE Select); coding-DNA position 1766, G replaced by A.
Protein change: p.Gly589Asp; replaces glycine 589 with aspartic acid.
Molecular consequence: missense variant.
Genome position (GRCh38, 1-based): chr11:2,778,009, G>A. VCF-style: chr11-2778009-G-A. GRCh37 (hg19) VCF-style: chr11-2799239-G-A.
Other names: p.G589D:GGC>GAC; NM_000218.3(KCNQ1):c.1766G>A; c.1766G>A (LRG_287t1); c.1670G>A, p.Gly557Asp (NM_001406836.1); c.1496G>A, p.Gly499Asp (NM_001406837.1); c.1226G>A, p.Gly409Asp (NM_001406838.1); c.278G>A, p.Gly93Asp (NM_001406839.1); c.1385G>A, p.Gly462Asp (NM_181798.2); short protein forms G589D, G462D, G499D, G93D, G557D, G409D.
Identifiers: ClinVar variation 3140 (VCV000003140.23), dbSNP rs120074190, ClinGen allele CA006347.

ClinVar aggregate classification (germline): Pathogenic. Review status: reviewed by expert panel (3 of 4 stars). 10 submissions from 9 submitters: Pathogenic (1). 9 of the submissions do not count toward it. Last evaluated 2025-07-01.

Conditions:
KCNQ1-related disorder. Also called: KCNQ1-related disorders; KCNQ1-related condition. Identifiers: MedGen CN239322.
Cardiovascular phenotype. Identifiers: MedGen CN230736.
Cardiac arrhythmia. Also called: Cardiac rhythm disease; Arrhythmia. Identifiers: MedGen C0003811, MONDO:0007263, HP:0011675.
Familial long QT syndrome (RWS). Also called: Romano-Ward syndrome; VENTRICULAR FIBRILLATION WITH PROLONGED QT INTERVAL; Congenital long QT syndrome. Identifiers: Orphanet 768, MedGen C1141890, MONDO:0019171.
Long QT syndrome 1 (LQT1). Identifiers: Orphanet 101016, Orphanet 768, MedGen C4551647, MONDO:0100316, OMIM 192500, MONDO:0008646.
Jervell and Lange-Nielsen syndrome 1 (JLNS1). Also called: PROLONGED QT INTERVAL IN EKG AND SUDDEN DEATH; SURDO-CARDIAC SYNDROME; CARDIOAUDITORY SYNDROME OF JERVELL AND LANGE-NIELSEN; DEAFNESS, CONGENITAL, AND FUNCTIONAL HEART DISEASE. Identifiers: Orphanet 768, Orphanet 90647, MedGen C4551509, MONDO:0024540, OMIM 220400.
Long QT syndrome (LQTS). Identifiers: MedGen C0023976, MeSH D008133, MONDO:0002442. Disease mechanism: loss of function. Inheritance: Various modes of inheritance.

Allele frequency attached by ClinVar (database versions not stated): gnomAD 0.00005 and 0.00006; gnomAD exomes 0.00005; ExAC 0.00001.

Submissions 1 to 5 of 10:

ClinGen Potassium Channel Arrhythmia Variant Curation Expert Panel, ClinGen
Classification: Pathogenic for Long QT syndrome 1. Last evaluated: 2025-07-01. Review status: reviewed by expert panel. Criteria: ClinGen KChannel ACMG Specifications KCNQ1 V1.0.0 2. Collection method: curation. Allele origin: germline. Inheritance: Autosomal dominant inheritance.
Comment: NM_000218.3(KCNQ1):c.1766G>A is a missense variant in KCNQ1 that substitutes glycine with aspartic acid at codon 589. This variant is present in gnomAD v.4.1.0 at a maximum allele frequency of 0.0000008.474, with 1 allele / 1,180,024 total alleles in the European (non-Finnish) population, which is lower than the ClinGen Potassium Channel Arrhythmia VCEP PM2_Supporting threshold of <0.00001 (PM2_Supporting). Please note that the variant has a higher frequency of 0.0005504 (35 alleles / 63,586 total alleles) in the European Finnish population. which is not one of the 5 continental populations eligible to meet a population code. The variant has been reported in 34 apparently unrelated probands affected with long QT syndrome 1 (PS4; PMID: 11216980). The variant has also been detected in at least 2 apparently unrelated probands with Jervell and Lange-Nielsen syndrome who had both a long QTc interval and congenital deafness. 1 proband was compound heterozygous for this variant and the p.Tyr171Ter variant, which has not yet been classified by the VCEP, confirmed in trans by family testing, while the other proband was homozygous for the variant (0.5 pts, PM3_Supporting, PMID: 11216980). The variant has been reported to segregate with long QT syndrome 1 through the proband and at least 1 confirmed affected family member with QTc >480 ms, however, this does not meet the requirement of at least 2 segregations to meet PP1 (PMID: 11216980). This variant has been reported in at least one affected proband exhibiting QTc prolongation and an exercise-related syncopal spell, however the QTc is not available to evaluate in relation to the required threshold of >480 ms, so PP4 is not met (PMID: 10483966). The computational predictor REVEL gives a score of 0.863, which is above the ClinGen Potassium Channel Arrhythmia VCEP PP3 threshold of >0.75 and predicts a damaging effect on KCNQ1 function (PP3). This variant has been shown to disrupt KCNQ1 function in experimental assays from at least 5 independent research groups, including manual patch-clamp (PMID: 11216980, PMID: 25344363, PMID: 22095730, PMID: 11799244), electrophysiology studies in iPSC-derived cardiomyocytes (PMID: 15528464), and cell surface localization (PMID: 25344363). The combination of 5 electrophysiology studies with 1 protein metabolism study satisfies the VCEP requirement for the strong level of the experimental code (PS3). Another missense variant in the same codon, c.1765G>A (p.Gly589Ser) has been reported in association with long QT syndrome 1 (PMID: 31565860), however, PM5 has not been considered in order to avoid circularity. In summary, this variant meets the criteria to be classified as pathogenic for long QT syndrome 1 based on the ACMG/AMP criteria applied, as specified by the ClinGen Potassium Channel Arrhythmia VCEP: PS3, PS4, PM2_Supporting, PM3_Supporting, and PP3. (VCEP specifications version 1.0.0; date of approval 03/04/2025).

Labcorp Genetics (formerly Invitae), Labcorp
Classification: Pathogenic for Long QT syndrome. Last evaluated: 2025-06-22. Review status: criteria provided, single submitter. Criteria: Invitae Variant Classification Sherloc (09022015). Collection method: clinical testing. Allele origin: germline. Not counted in ClinVar's aggregate classification.
Comment: This sequence change replaces glycine, which is neutral and non-polar, with aspartic acid, which is acidic and polar, at codon 589 of the KCNQ1 protein (p.Gly589Asp). This variant is present in population databases (rs120074190, gnomAD 0.05%). This missense change has been observed in individuals with Jervell and Lange-Nielsen syndrome and/or long QT syndrome (PMID: 10483966, 11216980, 19160088, 20659946, 22629021, 23098067, 28619993). It is commonly reported in individuals of Finland and Sweden ancestry (PMID: 10483966, 11216980, 19160088, 20659946, 22629021, 23098067, 28619993). ClinVar contains an entry for this variant (Variation ID: 3140). Invitae Evidence Modeling of protein sequence and biophysical properties (such as structural, functional, and spatial information, amino acid conservation, physicochemical variation, residue mobility, and thermodynamic stability) indicates that this missense variant is expected to disrupt KCNQ1 protein function with a positive predictive value of 95%. Experimental studies have shown that this missense change affects KCNQ1 function (PMID: 22095730, 25344363). For these reasons, this variant has been classified as Pathogenic.

Blueprint Genetics
Classification: Pathogenic for KCNQ1-related disorders. Last evaluated: 2024-11-19. Review status: criteria provided, single submitter. Criteria: ACMG Guidelines, 2015. Collection method: clinical testing. Allele origin: germline. Affected: yes. Observed: 5 variant alleles. Not counted in ClinVar's aggregate classification.

Ambry Genetics
Classification: Pathogenic for Cardiovascular phenotype. Last evaluated: 2023-03-03. Review status: criteria provided, single submitter. Criteria: Ambry Variant Classification Scheme 2023. Collection method: clinical testing. Allele origin: germline. Not counted in ClinVar's aggregate classification.
Comment: The p.G589D pathogenic mutation (also known as c.1766G>A), located in coding exon 15 of the KCNQ1 gene, results from a G to A substitution at nucleotide position 1766. The glycine at codon 589 is replaced by aspartic acid, an amino acid with similar properties. This alteration has been described in numerous patients with long QT syndrome and autosomal recessive Jervell and Lange-Nielsen syndrome, has been reported to segregate with disease in two large Finnish families, and is considered to be a founder mutation in the Finnish population (Piippo K et al. J Am Coll Cardiol. 2001;37(2):562-8). In several functional in vitro studies, this alteration adversely affected the voltage-gated potassium ion channel, resulting in decreased current amplitude, prolongation of the channel activation threshold, and trafficking defects (Piippo K et al. J Am Coll Cardiol. 2001;37(2):562-8; Marx SO et al. Science. 2002;295(5554):496-9). This variant is considered to be rare based on population cohorts in the Genome Aggregation Database (gnomAD). Based on the supporting evidence, this alteration is interpreted as a disease-causing mutation.

Human Genome Sequencing Center Clinical Lab, Baylor College of Medicine
Classification: Pathogenic for Long QT syndrome 1; Jervell and Lange-Nielsen syndrome 1. Last evaluated: 2019-12-31. Review status: criteria provided, single submitter. Criteria: ACMG Guidelines, 2015. Collection method: clinical testing. Allele origin: germline. Not counted in ClinVar's aggregate classification.
Comment: The c.1766G>A (p.Gly589Asp) variant in the exon 15 of KCNQ1 gene has been reported in heterozygous form in multiple unrelated individuals with long QT syndrome (LQTS) and in homozygous form in individuals with Jervell and Lange-Nielsen syndrome (PMID: 10483966, 11216980, 12477631, 12690509, 17329209, 19160088, 19716085, 20659946, 12402336, 23098067, 17467628, 17329207, 11799244, 22095730, 28619993). It is a founder mutation in the Finnish and Swedish populations (PMID: 11216980, 23098067). This variant is present at a frequency of 14/282342 in the gnomAD population database. Multiple lines of in silico algorithms predict the p.Gly589Asp change to be deleterious. Functional studies show that Gly589Asp affects the normal function of KCNQ1 potassium channel (PMID: 11216980, 15528464, 25344363, 22095730, 28785673, 28619993). In addition, multiple missense variants present in nearby residues (T587M, I588F, I588T, A590T, R591H, R591C, R591L, R594P, R594Q) have also been reported in affected individuals with LQTS. Therefore, this c.1766G>A (p.Gly589Asp) variant in the KCNQ1 gene is classified as pathogenic.